The following is an entry in ClinVar:

NM_012388.4(BLOC1S6):c.501A>T (p.Arg167Ser)

Gene: BLOC1S6 (biogenesis of lysosomal organelles complex 1 subunit 6; plus strand). Cytogenetic location: 15q21.1.
Variant type: single nucleotide variant.
Coding change: c.501A>T on transcript NM_012388.4 (MANE Select); coding-DNA position 501, A replaced by T.
Protein change: p.Arg167Ser; replaces arginine 167 with serine.
Molecular consequence: missense variant. On other transcripts: 3 prime UTR variant (1), non-coding transcript variant (10).
Genome position (GRCh38, 1-based): chr15:45,606,496, A>T. VCF-style: chr15-45606496-A-T. GRCh37 (hg19) VCF-style: chr15-45898694-A-T.
Other names: c.516A>T, p.Arg172Ser (NM_001311255.1); c.*152A>T (NM_001311256.1); short protein forms R172S, R167S.
Identifiers: ClinVar variation 662802 (VCV000662802.11), dbSNP rs775510569, ClinGen allele CA7544394.
Genomic context (GRCh38, chr15:45,606,496, plus strand): 5'-GTTGGAAAGGGAGCAGCAACGAGAGAAGGAGTTTGAAAGAGAAAAGCAGTTAACTGCCAG[A>T]CCAGCCAAAAGGATGTGAAAAGTTGTGTTTGTGTGTTTTCTTCTCCTGTCCCATATTTGG-3'
Protein context (NP_036520.1, residues 157-172): EFEREKQLTA[Arg167Ser]PAKRM

ClinVar aggregate classification (germline): Uncertain significance. Review status: criteria provided, multiple submitters, no conflicts (2 of 4 stars). 3 submissions from 3 submitters: Uncertain significance (3). Last evaluated 2025-03-17.

Conditions:
Autoinflammatory syndrome. Identifiers: Orphanet 93665, MedGen C3890737, MONDO:0019751.
Inborn genetic diseases. Identifiers: MedGen C0950123, MeSH D030342.
Hermansky-Pudlak syndrome 9 (HPS9). Identifiers: Orphanet 280663, Orphanet 79430, MedGen C3280026, MONDO:0013606, OMIM 614171.

Allele frequency attached by ClinVar (database versions not stated): gnomAD exomes 0.00001; ExAC 0.00002.
gnomAD v4.1: 10 of 1,614,154 alleles (0.00062%); highest among the groups gnomAD compares: Middle Eastern, 0.082%; no homozygotes.

Submissions (3):

Labcorp Genetics (formerly Invitae), Labcorp
Classification: Uncertain significance for Hermansky-Pudlak syndrome 9. Last evaluated: 2025-03-17. Review status: criteria provided, single submitter. Criteria: Invitae Variant Classification Sherloc (09022015). Collection method: clinical testing. Allele origin: germline.
Comment: This sequence change replaces arginine, which is basic and polar, with serine, which is neutral and polar, at codon 167 of the BLOC1S6 protein (p.Arg167Ser). This variant is present in population databases (rs775510569, gnomAD 0.003%). This variant has not been reported in the literature in individuals affected with BLOC1S6-related conditions. ClinVar contains an entry for this variant (Variation ID: 662802). An algorithm developed to predict the effect of missense changes on protein structure and function (PolyPhen-2) suggests that this variant is likely to be tolerated. In summary, the available evidence is currently insufficient to determine the role of this variant in disease. Therefore, it has been classified as a Variant of Uncertain Significance.

Ambry Genetics
Classification: Uncertain significance for Inborn genetic diseases. Last evaluated: 2025-01-15. Review status: criteria provided, single submitter. Criteria: Ambry Variant Classification Scheme 2023. Collection method: clinical testing. Allele origin: germline.

Genome Diagnostics Laboratory, The Hospital for Sick Children
Classification: Uncertain significance for Autoinflammatory syndrome. Last evaluated: 2016-12-12. Review status: criteria provided, single submitter. Criteria: ACMG Guidelines, 2015. Collection method: clinical testing. Allele origin: germline. Affected: yes.